The following is an entry in ClinVar:

ClinVar aggregate classification (germline): Pathogenic. Review status: criteria provided, multiple submitters, no conflicts (2 of 4 stars). 6 submissions from 6 submitters: Pathogenic (6). Last evaluated 2026-07-01.

Conditions:
PMM2-congenital disorder of glycosylation. Also called: JAEKEN SYNDROME; PHOSPHOMANNOMUTASE 2 DEFICIENCY; CARBOHYDRATE-DEFICIENT GLYCOPROTEIN SYNDROME, TYPE Ia; Congenital disorder of glycosylation, type Ia; CDG Ia; PMM2-CDG. Identifiers: Orphanet 79318, MedGen C0349653, MONDO:0008907, OMIM 212065.

Allele frequency attached by ClinVar (database versions not stated): ExAC 0.00002; gnomAD exomes 0.00002.
gnomAD v4.1: 27 of 1,612,978 alleles (0.0017%); highest among the groups gnomAD compares: Non-Finnish European, 0.0022%; no homozygotes.

Submissions (6):

CeGaT Center for Human Genetics Tuebingen
Classification: Pathogenic. Last evaluated: 2026-07-01. Review status: criteria provided, single submitter. Criteria: CeGaT Center For Human Genetics Tuebingen Variant Classification Criteria Version 2. Collection method: clinical testing. Allele origin: germline. Affected: yes. Observed: 1 variant allele.
Comment: PMM2: PM3:Very Strong, PM2, PS3:Moderate, PP3

Labcorp Genetics (formerly Invitae), Labcorp
Classification: Pathogenic for PMM2-congenital disorder of glycosylation. Last evaluated: 2025-11-15. Review status: criteria provided, single submitter. Criteria: Invitae Variant Classification Sherloc (09022015). Collection method: clinical testing. Allele origin: germline.
Comment: This sequence change replaces phenylalanine, which is neutral and non-polar, with serine, which is neutral and polar, at codon 183 of the PMM2 protein (p.Phe183Ser). This variant is present in population databases (rs780581250, gnomAD 0.004%). This missense change has been observed in individual(s) with congenital disorder of glycosylation I (PMID: 10801058, 11409861, 21541725; internal data). In at least one individual the data is consistent with being in trans (on the opposite chromosome) from a pathogenic variant. ClinVar contains an entry for this variant (Variation ID: 651739). Invitae Evidence Modeling of protein sequence and biophysical properties (such as structural, functional, and spatial information, amino acid conservation, physicochemical variation, residue mobility, and thermodynamic stability) indicates that this missense variant is expected to disrupt PMM2 protein function with a positive predictive value of 95%. For these reasons, this variant has been classified as Pathogenic.

Natera, Inc.
Classification: Pathogenic for Congenital disorder of glycosylation type 1a. Last evaluated: 2025-07-21. Review status: criteria provided, single submitter. Criteria: Natera Variant Classification Schema (03/2026). Collection method: clinical testing. Allele origin: germline.
Comment: The c.548T>C variant in PMM2 is a missense variant predicted to cause substitution of phenylalanine to serine at amino acid 183. This variant is rare in the general population with a frequency below the threshold expected for the associated phenotype(s). This variant has been observed in one or more individuals affected with the associated recessive disease, as either homozygous or compound heterozygous with a second variant (PMID: 10801058, 11409861). Computational prediction algorithms indicate this variant is likely to affect gene or protein function. Given the available evidence, this variant is classified as Pathogenic.

Women's Health and Genetics/Laboratory Corporation of America, LabCorp
Classification: Pathogenic for PMM2-congenital disorder of glycosylation. Last evaluated: 2023-04-04. Review status: criteria provided, single submitter. Criteria: LabCorp Variant Classification Summary - May 2015. Collection method: clinical testing. Allele origin: germline.
Comment: Variant summary: PMM2 c.548T>C (p.Phe183Ser) results in a non-conservative amino acid change in the encoded protein sequence. Five of five in-silico tools predict a damaging effect of the variant on protein function. The variant allele was found at a frequency of 1.6e-05 in 251488 control chromosomes (gnomAD). c.548T>C has been reported in the literature in multiple individuals affected with Congenital Disorder Of Glycosylation Type 1a (example: Erlandson_2001). These data indicate that the variant is very likely to be associated with disease. At least one publication reports experimental evidence evaluating an impact on protein function. The most pronounced variant effect results in <10% of normal activity (example: SegoviaFalquina_2022). Two clinical diagnostic laboratories have submitted clinical-significance assessments for this variant to ClinVar after 2014 and all classified the variant as pathogenic. Based on the evidence outlined above, the variant was classified as pathogenic.

Baylor Genetics
Classification: Pathogenic for PMM2-congenital disorder of glycosylation. Last evaluated: 2022-08-03. Review status: criteria provided, single submitter. Criteria: ACMG Guidelines, 2015. Collection method: clinical testing. Allele origin: unknown.

Centre for Inherited Metabolic Diseases, Karolinska University Hospital
Classification: Pathogenic for PMM2-congenital disorder of glycosylation. Last evaluated: 2020-04-02. Review status: criteria provided, single submitter. Criteria: ACMG Guidelines, 2015. Collection method: clinical testing. Allele origin: germline. Inheritance: Autosomal recessive inheritance. Affected: yes. Observed: 1 compound heterozygote.

Literature cited by the submitters: PubMed 10801058 (cited by Labcorp Genetics (formerly Invitae), Labcorp and Natera, Inc.); PubMed 11409861 (cited by 3 submitters); PubMed 21541725 (cited by Labcorp Genetics (formerly Invitae), Labcorp); PubMed 35789514 (cited by Women's Health and Genetics/Laboratory Corporation of America, LabCorp).

NM_000303.3(PMM2):c.548T>C (p.Phe183Ser)

Gene: PMM2 (phosphomannomutase 2; plus strand). Cytogenetic location: 16p13.2.
Variant type: single nucleotide variant.
Coding change: c.548T>C on transcript NM_000303.3 (MANE Select); coding-DNA position 548, T replaced by C.
Protein change: p.Phe183Ser; replaces phenylalanine 183 with serine.
Molecular consequence: missense variant.
Genome position (GRCh38, 1-based): chr16:8,813,015, T>C. VCF-style: chr16-8813015-T-C. GRCh37 (hg19) VCF-style: chr16-8906872-T-C.
Other names: short protein forms F183S.
Identifiers: ClinVar variation 651739 (VCV000651739.15), dbSNP rs780581250, ClinGen allele CA7894130.